The following is an entry in ClinVar:

NM_005461.5(MAFB):c.459C>T (p.Asp153=)

Gene: MAFB (MAF bZIP transcription factor B; minus strand). Cytogenetic location: 20q12.
Variant type: single nucleotide variant.
Coding change: c.459C>T on transcript NM_005461.5 (MANE Select); coding-DNA position 459, C replaced by T.
Protein change: p.Asp153=; no amino-acid change (aspartic acid 153 retained).
Molecular consequence: synonymous variant.
Genome position (GRCh38, 1-based): chr20:40,688,392, G>A on the plus strand (C>T on the coding strand, the complement: MAFB is on the minus strand). VCF-style: chr20-40688392-G-A. GRCh37 (hg19) VCF-style: chr20-39317032-G-A.
Identifiers: ClinVar variation 3621675 (VCV003621675.2).
Genomic context (GRCh38, chr20:40,688,392, plus strand): 5'-CGGCGGCGGCGACGCTTGGTGATGATGGTGATGGTGCGGGTGAGCGTGCGGGCCCAGCTC[G>A]TCGTGGGCCACGCCGGCGCCCGGGTACGCGTGGTGCGGGTGAGGGTGGTGGTGATGGTGG-3'
Protein context (NP_005452.2, residues 143-163): HAYPGAGVAH[Asp153=]ELGPHAHPHH

ClinVar aggregate classification (germline): Uncertain significance (1 of 4 stars; one submission).

Submission:

Labcorp Genetics (formerly Invitae), Labcorp
Classification: Uncertain significance. Last evaluated: 2025-04-22. Review status: criteria provided, single submitter. Criteria: Invitae Variant Classification Sherloc (09022015). Collection method: clinical testing. Allele origin: germline.
Comment: This sequence change affects codon 153 of the MAFB mRNA. It is a 'silent' change, meaning that it does not change the encoded amino acid sequence of the MAFB protein. This variant is not present in population databases (gnomAD no frequency). This variant has not been reported in the literature in individuals affected with MAFB-related conditions. ClinVar contains an entry for this variant (Variation ID: 3621675). In summary, the available evidence is currently insufficient to determine the role of this variant in disease. Therefore, it has been classified as a Variant of Uncertain Significance.